The following is an entry in ClinVar:

NM_001039141.3(TRIOBP):c.5358G>T (p.Ser1786=)

Genes: TRIOBP (TRIO and F-actin binding protein; plus strand), LOC126863144 (CDK7 strongly-dependent group 2 enhancer GRCh37_chr22:38147547-38148746; plus strand). Cytogenetic location: 22q13.1.
Variant type: single nucleotide variant.
Coding change: c.5358G>T on transcript NM_001039141.3 (MANE Select); coding-DNA position 5358, G replaced by T.
Protein change: p.Ser1786=; no amino-acid change (serine 1786 retained).
Molecular consequence: synonymous variant.
Genome position (GRCh38, 1-based): chr22:37,751,807, G>T. VCF-style: chr22-37751807-G-T. GRCh37 (hg19) VCF-style: chr22-38147814-G-T.
Other names: c.219G>T, p.Ser73= (NM_007032.5, NM_138632.2).
Identifiers: ClinVar variation 178557 (VCV000178557.8), dbSNP rs139435527, ClinGen allele CA182552.

ClinVar aggregate classification (germline): Likely benign. Review status: criteria provided, multiple submitters, no conflicts (2 of 4 stars). 3 submissions from 3 submitters: Likely benign (3). Last evaluated 2024-09-24.

Allele frequency attached by ClinVar (database versions not stated): ESP Exome Variant Server 0.00015; TOPMed 0.00021.
gnomAD v4.1: 404 of 1,613,970 alleles (0.025%); highest among the groups gnomAD compares: Non-Finnish European, 0.033%; no homozygotes.

Submissions (3):

Labcorp Genetics (formerly Invitae), Labcorp
Classification: Likely benign. Last evaluated: 2024-09-24. Review status: criteria provided, single submitter. Criteria: Invitae Variant Classification Sherloc (09022015). Collection method: clinical testing. Allele origin: germline.

Blueprint Genetics
Classification: Likely benign. Last evaluated: 2024-07-10. Review status: criteria provided, single submitter. Criteria: ACMG Guidelines, 2015. Collection method: clinical testing. Allele origin: germline.

Laboratory for Molecular Medicine, Mass General Brigham Personalized Medicine
Classification: Likely benign. Last evaluated: 2012-04-30. Review status: criteria provided, single submitter. Criteria: LMM Criteria. Collection method: clinical testing. Allele origin: germline. Observed: 1 variant allele.
Comment: Ser1786Ser in Exon 12 of TRIOBP: This variant is not expected to have clinical s ignificance because it does not alter an amino acid residue, is not located with in the splice consensus sequence, and has been identified in 1/7020 European Ame rican chromosomes from a broad population by the NHLBI Exome Sequencing Project (dbSNP rs139435527).